The following is an entry in ClinVar:

ClinVar aggregate classification (germline): Pathogenic (1 of 4 stars; one submission).

Conditions:
RYR1-related myopathy. Identifiers: Orphanet 98742, MedGen CN305348, MONDO:0100150.

Submission:

Victorian Clinical Genetics Services, Murdoch Childrens Research Institute
Classification: Pathogenic for RYR1-related myopathy. Last evaluated: 2025-03-07. Review status: criteria provided, single submitter. Criteria: ACMG Guidelines, 2015. Collection method: clinical testing. Allele origin: germline. Affected: yes.
Comment: This variant is classified as Pathogenic. Evidence in support of pathogenic classification: Variant is absent from gnomAD (v2, v3 and v4); This variant has strong previous evidence of pathogenicity in unrelated individuals. An alternative nucleotide change that leads to the same amino acid change, c.14763C>G, has been classified as likely pathogenic by a clinical laboratory in ClinVar. The c.14761T>C and c.14763C>G variants have also been reported in a heterozygous state in multiple individuals with myopathy (PMID: 32236737, 32403337, 29556213); Other missense variant(s) comparable to the one identified in this case have strong previous evidence for pathogenicity. p.(Phe4921Ser) has been classified as pathogenic in ClinVar and reported in multiple individuals with autosomal dominant myopathy (PMID: 16621918, 29792937). p.(Phe4921Thr) has been classified as likely pathogenic in ClinVar and reported in multiple individuals with autosomal dominant myopathy (PMID: 33184643, 16621918); Missense variant predicted to be damaging by in silico tool(s) or highly conserved with a major amino acid change. Additional information: Variant is predicted to result in a missense amino acid change from phenylalanine to leucine; This variant is heterozygous; This gene is associated with both recessive and dominant disease (OMIM); Variant is located in the annotated ion transport protein domain (DECIPHER); Loss of function and gain of function are known mechanisms of disease in this gene and are associated with RYR1-related disorders (OMIM). A gain of function mechanism has been described in the context of malignant hyperthermia susceptibility 1 (MIM#145600), and autosomal dominant congenital myopathy 1A with susceptibility to malignant hyperthermia (MIM#117000). Autosomal recessive congenital myopathy 1B (MIM#255320) is associated with a loss of function mechanism (PMID: 27855725, 23919265). The mechanism of King-Denborough syndrome (MIM#619542) is unclear; Inheritance information for this variant is not currently available in this individual.

Literature cited by the submitters: PubMed 27855725; PubMed 32403337; PubMed 32236737; PubMed 23919265.

NM_000540.3(RYR1):c.14761T>C (p.Phe4921Leu)

Gene: RYR1 (ryanodine receptor 1; plus strand). Cytogenetic location: 19q13.2.
Variant type: single nucleotide variant.
Coding change: c.14761T>C on transcript NM_000540.3 (MANE Select); coding-DNA position 14761, T replaced by C.
Protein change: p.Phe4921Leu; replaces phenylalanine 4921 with leucine.
Molecular consequence: missense variant.
Genome position (GRCh38, 1-based): chr19:38,585,057, T>C. VCF-style: chr19-38585057-T-C. GRCh37 (hg19) VCF-style: chr19-39075697-T-C.
Other names: c.14746T>C, p.Phe4916Leu (NM_001042723.2); short protein forms F4916L, F4921L.
Identifiers: ClinVar variation 4531722 (VCV004531722.1).